The following is an entry in ClinVar:

ClinVar aggregate classification (germline): Uncertain significance (1 of 4 stars; one submission).

Submission:

Labcorp Genetics (formerly Invitae), Labcorp
Classification: Uncertain significance. Last evaluated: 2023-12-04. Review status: criteria provided, single submitter. Criteria: Invitae Variant Classification Sherloc (09022015). Collection method: clinical testing. Allele origin: unknown.
Comment: This variant results in a copy number gain of the genomic region encompassing exon(s) 1-46 of the COL11A1 gene. This region includes the initiator codon of the gene. This copy number gain extends beyond the assayed region for this gene and therefore may encompass additional genes. As the precise location of this event is unknown, it may be in tandem or it may be located elsewhere in the genome. This variant has not been reported in the literature in individuals affected with COL11A1-related conditions. In summary, the available evidence is currently insufficient to determine the role of this variant in disease. Therefore, it has been classified as a Variant of Uncertain Significance.

NC_000001.10:g.(?_103399985)_(104094402_?)dup

Genes: COL11A1 (collagen type XI alpha 1 chain; minus strand), RNPC3 (RNA binding region (RNP1, RRM) containing 3; plus strand). Cytogenetic location: 1p21.1.
Variant type: Duplication.
Identifiers: ClinVar variation 3247930 (VCV003247930.1).